The following is an entry in ClinVar:

ClinVar aggregate classification (germline): Likely benign. Review status: criteria provided, single submitter (1 of 4 stars). 2 submissions from 2 submitters: Likely benign (1). 1 of the submissions does not count toward it. Last evaluated 2024-11-04.

Conditions:
DGUOK-related disorder. Also called: DGUOK-related condition.

Allele frequency attached by ClinVar (database versions not stated): ExAC 0.00002; gnomAD exomes 0.00002.
gnomAD v4.1: 9 of 1,610,646 alleles (0.00056%); highest among the groups gnomAD compares: Admixed American, 0.015%; no homozygotes.

Submissions (2):

Labcorp Genetics (formerly Invitae), Labcorp
Classification: Likely benign. Last evaluated: 2024-11-04. Review status: criteria provided, single submitter. Criteria: Invitae Variant Classification Sherloc (09022015). Collection method: clinical testing. Allele origin: germline.

PreventionGenetics, part of Exact Sciences
Classification: Likely benign for DGUOK-related condition. Last evaluated: 2023-03-08. Review status: no assertion criteria provided. Collection method: clinical testing. Allele origin: germline. Not counted in ClinVar's aggregate classification.
Comment: This variant is classified as likely benign based on ACMG/AMP sequence variant interpretation guidelines (Richards et al. 2015 PMID: 25741868, with internal and published modifications).

NM_080916.3(DGUOK):c.808-6C>G

Genes: DGUOK (deoxyguanosine kinase; plus strand), DGUOK-AS1 (DGUOK antisense RNA 1; minus strand). Cytogenetic location: 2p13.1.
Variant type: single nucleotide variant.
Coding change: c.808-6C>G on transcript NM_080916.3 (MANE Select); 6 bases into the intron before coding-DNA position 808, C replaced by G.
Molecular consequence: intron variant.
Genome position (GRCh38, 1-based): chr2:73,958,704, C>G. VCF-style: chr2-73958704-C-G. GRCh37 (hg19) VCF-style: chr2-74185831-C-G.
Other names: c.808-6C>G (NM_080916.2); c.517-6C>G (NM_001318861.2, NM_001318860.2); c.499-6C>G (NM_001318862.2, NM_001318863.2); c.544-6C>G (NM_080918.3); c.526-6C>G (NM_001318859.2).
Identifiers: ClinVar variation 1934183 (VCV001934183.7), dbSNP rs781166440, ClinGen allele CA1718377.
Genomic context (GRCh38, chr2:73,958,704, plus strand): 5'-GGGGTGGACCATTGAAAATTCTGTTAAAAATGTGAAATTAAACTTCTGATTTTCTCCTTC[C>G]CACAGGTAAACACCTTTGTAAAGAATCTGTAACCAATACCATGAAGTTCAGGCTGTGATC-3'